The following is an entry in ClinVar:

ClinVar aggregate classification (germline): Uncertain significance (1 of 4 stars; one submission).

Submission:

Labcorp Genetics (formerly Invitae), Labcorp
Classification: Uncertain significance. Last evaluated: 2022-09-18. Review status: criteria provided, single submitter. Criteria: Invitae Variant Classification Sherloc (09022015). Collection method: clinical testing. Allele origin: germline.
Comment: This variant has not been reported in the literature in individuals affected with POLE-related conditions. In summary, the available evidence is currently insufficient to determine the role of this variant in disease. Therefore, it has been classified as a Variant of Uncertain Significance. Advanced modeling of protein sequence and biophysical properties (such as structural, functional, and spatial information, amino acid conservation, physicochemical variation, residue mobility, and thermodynamic stability) performed at Invitae indicates that this missense variant is expected to disrupt POLE protein function. This variant is not present in population databases (gnomAD no frequency). This sequence change replaces tyrosine, which is neutral and polar, with serine, which is neutral and polar, at codon 468 of the POLE protein (p.Tyr468Ser).

NM_006231.4(POLE):c.1403A>C (p.Tyr468Ser)

Gene: POLE (DNA polymerase epsilon, catalytic subunit; minus strand). Cytogenetic location: 12q24.33.
Variant type: single nucleotide variant.
Coding change: c.1403A>C on transcript NM_006231.4 (MANE Select); coding-DNA position 1403, A replaced by C.
Protein change: p.Tyr468Ser; replaces tyrosine 468 with serine.
Molecular consequence: missense variant.
Genome position (GRCh38, 1-based): chr12:132,673,234, T>G on the plus strand (A>C on the coding strand, the complement: POLE is on the minus strand). VCF-style: chr12-132673234-T-G. GRCh37 (hg19) VCF-style: chr12-133249820-T-G.
Other names: short protein forms Y468S.
Identifiers: ClinVar variation 1719732 (VCV001719732.5), dbSNP rs2042971544, ClinGen allele CA387358582.